The following is an entry in ClinVar:

NM_016292.3(TRAP1):c.1459G>T (p.Ala487Ser)

Genes: DNASE1 (deoxyribonuclease 1; plus strand), TRAP1 (TNF receptor associated protein 1; minus strand). Cytogenetic location: 16p13.3.
Variant type: single nucleotide variant.
Coding change: c.1459G>T on transcript NM_016292.3 (MANE Select); coding-DNA position 1459, G replaced by T.
Protein change: p.Ala487Ser; replaces alanine 487 with serine.
Molecular consequence: missense variant. On other transcripts: 3 prime UTR variant (1).
Genome position (GRCh38, 1-based): chr16:3,664,384, C>A on the plus strand (G>T on the coding strand, the complement: TRAP1 is on the minus strand). VCF-style: chr16-3664384-C-A. GRCh37 (hg19) VCF-style: chr16-3714385-C-A.
Other names: c.1300G>T, p.Ala434Ser (NM_001272049.2); c.*1760C>A (NM_001387140.1); short protein forms A434S, A487S.
Identifiers: ClinVar variation 3629229 (VCV003629229.2).

ClinVar aggregate classification (germline): Uncertain significance (1 of 4 stars; one submission).

gnomAD v4.1: 74 of 1,611,898 alleles (0.0046%); highest among the groups gnomAD compares: Non-Finnish European, 0.0058%; no homozygotes.

Submission:

Labcorp Genetics (formerly Invitae), Labcorp
Classification: Uncertain significance. Last evaluated: 2024-02-16. Review status: criteria provided, single submitter. Criteria: Invitae Variant Classification Sherloc (09022015). Collection method: clinical testing. Allele origin: germline.
Comment: This sequence change replaces alanine, which is neutral and non-polar, with serine, which is neutral and polar, at codon 487 of the TRAP1 protein (p.Ala487Ser). This variant is present in population databases (rs368889500, gnomAD 0.007%). This variant has not been reported in the literature in individuals affected with TRAP1-related conditions. Advanced modeling of protein sequence and biophysical properties (such as structural, functional, and spatial information, amino acid conservation, physicochemical variation, residue mobility, and thermodynamic stability) performed at Invitae indicates that this missense variant is not expected to disrupt TRAP1 protein function with a negative predictive value of 80%. In summary, the available evidence is currently insufficient to determine the role of this variant in disease. Therefore, it has been classified as a Variant of Uncertain Significance.